The following is an entry in ClinVar:

ClinVar aggregate classification (germline): Uncertain significance. Review status: criteria provided, multiple submitters, no conflicts (2 of 4 stars). 2 submissions from 2 submitters: Uncertain significance (2). Last evaluated 2025-11-03.

Conditions:
Inborn genetic diseases. Identifiers: MedGen C0950123, MeSH D030342.
Very long chain acyl-CoA dehydrogenase deficiency (ACADVLD). Also called: Very Long-Chain Acyl-Coenzyme A Dehydrogenase Deficiency; VLCAD Deficiency. Identifiers: Orphanet 26793, MedGen C3887523, MONDO:0008723, OMIM 201475.

gnomAD v4.1: 1 of 1,613,714 alleles (0.000062%); highest among the groups gnomAD compares: African/African-American, 0.0013%; no homozygotes.

Submissions (2):

Ambry Genetics
Classification: Uncertain significance for Inborn genetic diseases. Last evaluated: 2025-11-03. Review status: criteria provided, single submitter. Criteria: Ambry Variant Classification Scheme 2023. Collection method: clinical testing. Allele origin: germline.

Labcorp Genetics (formerly Invitae), Labcorp
Classification: Uncertain significance for Very long chain acyl-CoA dehydrogenase deficiency. Last evaluated: 2021-11-19. Review status: criteria provided, single submitter. Criteria: Invitae Variant Classification Sherloc (09022015). Collection method: clinical testing. Allele origin: germline.
Comment: This sequence change replaces serine, which is neutral and polar, with cysteine, which is neutral and slightly polar, at codon 148 of the ACADVL protein (p.Ser148Cys). This variant is present in population databases (no rsID available, gnomAD 0.007%). This variant has not been reported in the literature in individuals affected with ACADVL-related conditions. Algorithms developed to predict the effect of missense changes on protein structure and function are either unavailable or do not agree on the potential impact of this missense change (SIFT: "Deleterious"; PolyPhen-2: "Benign"; Align-GVGD: "Class C15"). In summary, the available evidence is currently insufficient to determine the role of this variant in disease. Therefore, it has been classified as a Variant of Uncertain Significance.

NM_000018.4(ACADVL):c.442A>T (p.Ser148Cys)

Gene: ACADVL (acyl-CoA dehydrogenase very long chain; plus strand). Cytogenetic location: 17p13.1.
Variant type: single nucleotide variant.
Coding change: c.442A>T on transcript NM_000018.4 (MANE Select); coding-DNA position 442, A replaced by T.
Protein change: p.Ser148Cys; replaces serine 148 with cysteine.
Molecular consequence: missense variant.
Genome position (GRCh38, 1-based): chr17:7,221,023, A>T. VCF-style: chr17-7221023-A-T. GRCh37 (hg19) VCF-style: chr17-7124342-A-T.
Other names: c.376A>T, p.Ser126Cys (NM_001033859.3); c.511A>T, p.Ser171Cys (NM_001270447.2); c.214A>T, p.Ser72Cys (NM_001270448.2); c.442A>T (NM_000018.2); short protein forms S148C, S171C, S72C, S126C.
Identifiers: ClinVar variation 1444795 (VCV001444795.4), dbSNP rs892944229, ClinGen allele CA287435431.